The following is an entry in ClinVar:

NM_001875.5(CPS1):c.3442A>T (p.Met1148Leu)

Gene: CPS1 (carbamoyl-phosphate synthase 1; plus strand). Cytogenetic location: 2q34.
Variant type: single nucleotide variant.
Coding change: c.3442A>T on transcript NM_001875.5 (MANE Select); coding-DNA position 3442, A replaced by T.
Protein change: p.Met1148Leu; replaces methionine 1148 with leucine.
Molecular consequence: missense variant. On other transcripts: non-coding transcript variant (2).
Genome position (GRCh38, 1-based): chr2:210,650,400, A>T. VCF-style: chr2-210650400-A-T. GRCh37 (hg19) VCF-style: chr2-211515124-A-T.
Other names: c.3442A>T, p.Met1148Leu (NM_001122633.3, NM_001369257.1); c.3475A>T, p.Met1159Leu (NM_001369256.1); short protein forms M1159L, M1148L.
Identifiers: ClinVar variation 1988225 (VCV001988225.4), dbSNP rs1700523287, ClinGen allele CA350436952.

ClinVar aggregate classification (germline): Uncertain significance (1 of 4 stars; one submission).

Conditions:
Congenital hyperammonemia, type I. Also called: Carbamoyl phosphate synthetase I deficiency disease; Carbamoyl-phosphate synthase I deficiency; CPS I DEFICIENCY; Carbamoyl phosphate synthetase 1 deficiency; Hyperammonemia due to carbamoyl phosphate synthetase 1 deficiency; CPS 1 deficiency. Identifiers: Orphanet 147, MedGen C4082171, MONDO:0009376, OMIM 237300.

Allele frequency attached by ClinVar (database versions not stated): TOPMed below 0.00001; gnomAD 0.00001.

Submission:

Labcorp Genetics (formerly Invitae), Labcorp
Classification: Uncertain significance for Congenital hyperammonemia, type I. Last evaluated: 2022-08-12. Review status: criteria provided, single submitter. Criteria: Invitae Variant Classification Sherloc (09022015). Collection method: clinical testing. Allele origin: germline.
Comment: In summary, the available evidence is currently insufficient to determine the role of this variant in disease. Therefore, it has been classified as a Variant of Uncertain Significance. Algorithms developed to predict the effect of missense changes on protein structure and function (SIFT, PolyPhen-2, Align-GVGD) all suggest that this variant is likely to be tolerated. This variant has not been reported in the literature in individuals affected with CPS1-related conditions. This variant is not present in population databases (gnomAD no frequency). This sequence change replaces methionine, which is neutral and non-polar, with leucine, which is neutral and non-polar, at codon 1148 of the CPS1 protein (p.Met1148Leu).